The following is an entry in ClinVar:

NM_004522.3(KIF5C):c.2238G>A (p.Gln746=)

Gene: KIF5C (kinesin family member 5C; plus strand). Cytogenetic location: 2q23.2.
Variant type: single nucleotide variant.
Coding change: c.2238G>A on transcript NM_004522.3 (MANE Select); coding-DNA position 2238, G replaced by A.
Protein change: p.Gln746=; no amino-acid change (glutamine 746 retained).
Molecular consequence: synonymous variant. On other transcripts: non-coding transcript variant (1).
Genome position (GRCh38, 1-based): chr2:149,000,450, G>A. VCF-style: chr2-149000450-G-A. GRCh37 (hg19) VCF-style: chr2-149856964-G-A.
Identifiers: ClinVar variation 3029976 (VCV003029976.2), dbSNP rs774225318, ClinGen allele CA1901648.

ClinVar aggregate classification (germline): Likely benign (0 of 4 stars; one submission).

Conditions:
KIF5C-related disorder. Also called: KIF5C-related condition.

Allele frequency attached by ClinVar (database versions not stated): gnomAD exomes 0.00001; ExAC 0.00002; TOPMed 0.00002.
gnomAD v4.1: 7 of 1,586,866 alleles (0.00044%); highest among the groups gnomAD compares: Admixed American, 0.01%; no homozygotes.

Submission:

PreventionGenetics, part of Exact Sciences
Classification: Likely benign for KIF5C-related condition. Last evaluated: 2022-12-12. Review status: no assertion criteria provided. Collection method: clinical testing. Allele origin: germline.
Comment: This variant is classified as likely benign based on ACMG/AMP sequence variant interpretation guidelines (Richards et al. 2015 PMID: 25741868, with internal and published modifications).